The following is an entry in ClinVar:

NM_006846.4(SPINK5):c.886C>G (p.Leu296Val)

Gene: SPINK5 (serine peptidase inhibitor Kazal type 5; plus strand). Cytogenetic location: 5q32.
Variant type: single nucleotide variant.
Coding change: c.886C>G on transcript NM_006846.4 (MANE Select); coding-DNA position 886, C replaced by G.
Protein change: p.Leu296Val; replaces leucine 296 with valine.
Molecular consequence: missense variant.
Genome position (GRCh38, 1-based): chr5:148,097,870, C>G. VCF-style: chr5-148097870-C-G. GRCh37 (hg19) VCF-style: chr5-147477433-C-G.
Other names: c.886C>G, p.Leu296Val (NM_001127698.2, NM_001127699.2); short protein forms L296V.
Identifiers: ClinVar variation 935761 (VCV000935761.9), dbSNP rs1753510621, ClinGen allele CA361634999.

ClinVar aggregate classification (germline): Uncertain significance (1 of 4 stars; one submission).

Conditions:
Ichthyosis linearis circumflexa. Identifiers: MedGen C0265962, MONDO:0043106, HP:0025810.

Allele frequency attached by ClinVar (database versions not stated): gnomAD exomes below 0.00001.
gnomAD v4.1: 2 of 1,607,038 alleles (0.00012%); highest among the groups gnomAD compares: Non-Finnish European, 0.000085%; no homozygotes.

Submission:

Labcorp Genetics (formerly Invitae), Labcorp
Classification: Uncertain significance for Ichthyosis linearis circumflexa. Last evaluated: 2019-06-20. Review status: criteria provided, single submitter. Criteria: Invitae Variant Classification Sherloc (09022015). Collection method: clinical testing. Allele origin: germline.
Comment: This variant is not present in population databases (ExAC no frequency). This variant has not been reported in the literature in individuals with SPINK5-related conditions. Algorithms developed to predict the effect of missense changes on protein structure and function output the following: SIFT: "Tolerated"; PolyPhen-2: "Benign"; Align-GVGD: "Class C0". The valine amino acid residue is found in multiple mammalian species, suggesting that this missense change does not adversely affect protein function. These predictions have not been confirmed by published functional studies and their clinical significance is uncertain. In summary, the available evidence is currently insufficient to determine the role of this variant in disease. Therefore, it has been classified as a Variant of Uncertain Significance. This sequence change replaces leucine with valine at codon 296 of the SPINK5 protein (p.Leu296Val). The leucine residue is moderately conserved and there is a small physicochemical difference between leucine and valine.